The following continues an entry in ClinVar:

NM_000152.5(GAA):c.1375G>A (p.Asp459Asn)

Gene: GAA. ClinVar aggregate classification (germline): Uncertain significance. Uncertain significance (1).

Submissions 13 to 17 of 17:

Broad Center for Mendelian Genomics, Broad Institute of MIT and Harvard
Classification: Uncertain significance for Glycogen storage disease, type II. Last evaluated: 2020-01-22. Review status: criteria provided, single submitter. Criteria: ACMG Guidelines, 2015. Collection method: curation. Allele origin: germline. Inheritance: Autosomal recessive inheritance. Not counted in ClinVar's aggregate classification.
Comment: This variant has been identified in 0.041% (14/34538) of Latino chromosomes, 0.005% (1/18370) of East Asian chromosomes, and 0.003% (3/112916) of European (non-Finnish) chromosomes by the Genome Aggregation Database (gnomAD; dbSNP rs535644999). Although this variant has been seen in the general population, its frequency is low enough to be consistent with a recessive carrier frequency. Computational prediction tools and conservation analyses do not provide strong support for or against an impact to the protein. Additional computational prediction tools suggest the variant affects protein structure and stability (PMID: 29061980). However, the Aspartate (Asp) at position 459 is highly conserved in mammals and evolutionary distant species and one additional variant at the same position (p.Asp459His) has been reported as a VUS in ClinVar (Variation ID: 497673), raising the possibility that a change at this position may not be tolerated. The phenotype of individuals heterozygous for this variant is highly specific for Glycogen Storage Disease II based on reduced GAA activity in assays of relevant tissue (PMID: 18458862, 21757382). In summary, while there is some suspicion for a pathogenic role, the clinical significance of this variant is uncertain. ACMG/AMP Criteria applied: PM2, PP4 (Richards 2015).

GeneDx
Classification: Uncertain significance. Last evaluated: 2018-10-08. Review status: criteria provided, single submitter. Criteria: GeneDx Variant Classification (06012015). Collection method: clinical testing. Allele origin: germline. Affected: yes. Not counted in ClinVar's aggregate classification.
Comment: A variant of uncertain significance has been identified in the GAA gene. The D459N variant in the GAA gene has previously been reported in association with late-onset Pompe disease in individuals who harbored a second missense variant in GAA, although the phase of these variants was not determined in these individuals (Wan et al., 2008; Yang et al., 2011, Bali et al., 2011). This variant is observed in 16/245730 (0.0065%) alleles from individuals of multiple ethnic backgrounds in large population cohorts (Lek et al., 2016). Nevertheless, the D459N variant is a semi-conservative amino acid substitution, which may impact secondary protein structure as these residues differ in some properties. In-silico analyses, including protein predictors and evolutionary conservation, support a deleterious effect. Therefore, based on the currently available information, it is unclear whether this variant is pathogenic or rare benign.

Eurofins Ntd Llc (ga)
Classification: Uncertain significance. Last evaluated: 2016-10-06. Review status: criteria provided, single submitter. Criteria: EGL Classification Definitions 2015. Collection method: clinical testing. Allele origin: germline. Observed: 1 variant allele, 1 heterozygote. Not counted in ClinVar's aggregate classification.

Natera, Inc.
Classification: Uncertain significance for Glycogen storage disease type II. Last evaluated: 2020-09-16. Review status: no assertion criteria provided. Collection method: clinical testing. Allele origin: germline. Not counted in ClinVar's aggregate classification.

Counsyl
Classification: Uncertain significance for Glycogen storage disease, type II. Last evaluated: 2018-02-20. Review status: no assertion criteria provided. Collection method: clinical testing. Allele origin: unknown. Not counted in ClinVar's aggregate classification.

Literature cited by the submitters: PubMed 18458862 (cited by 5 submitters); PubMed 21484825 (cited by 4 submitters); PubMed 21757382 (cited by 5 submitters); PubMed 28302345 (cited by Women's Health and Genetics/Laboratory Corporation of America, LabCorp); PubMed 33073027 (cited by Women's Health and Genetics/Laboratory Corporation of America, LabCorp); PubMed 25741875 (cited by Lildballe Lab, Aarhus University Hospital); PubMed 39481677 (cited by Lildballe Lab, Aarhus University Hospital); PubMed 29061980 (cited by Counsyl).